The following is an entry in ClinVar:

ClinVar aggregate classification (germline): Benign (1 of 4 stars; one submission).

Allele frequency attached by ClinVar (database versions not stated): 1000 Genomes Project 0.04073; 1000 Genomes Project 30x 0.04122; gnomAD 0.05344 and 0.05455; TOPMed 0.05519; gnomAD exomes 0.05723.
gnomAD v4.1: 38,217 of 676,066 alleles (5.7%); highest among the groups gnomAD compares: Non-Finnish European, 6.8%; 1,305 homozygotes.

Submission:

GeneDx
Classification: Benign. Last evaluated: 2018-06-14. Review status: criteria provided, single submitter. Criteria: GeneDx Variant Classification (06012015). Collection method: clinical testing. Allele origin: germline. Affected: yes.
Comment: This variant is considered likely benign or benign based on one or more of the following criteria: it is a conservative change, it occurs at a poorly conserved position in the protein, it is predicted to be benign by multiple in silico algorithms, and/or has population frequency not consistent with disease.

NM_001035.3(RYR2):c.13328+120T>C

Gene: RYR2 (ryanodine receptor 2; plus strand). Cytogenetic location: 1q43.
Variant type: single nucleotide variant.
Coding change: c.13328+120T>C on transcript NM_001035.3 (MANE Select); 120 bases into the intron after coding-DNA position 13328, T replaced by C.
Molecular consequence: intron variant.
Genome position (GRCh38, 1-based): chr1:237,786,156, T>C. VCF-style: chr1-237786156-T-C. GRCh37 (hg19) VCF-style: chr1-237949456-T-C.
Identifiers: ClinVar variation 675269 (VCV000675269.1), dbSNP rs2275690, ClinGen allele CA39829017.